The following is an entry in ClinVar:

NM_004933.3(CDH15):c.124C>T (p.Arg42Cys)

Gene: CDH15 (cadherin 15; plus strand). Cytogenetic location: 16q24.3.
Variant type: single nucleotide variant.
Coding change: c.124C>T on transcript NM_004933.3 (MANE Select); coding-DNA position 124, C replaced by T.
Protein change: p.Arg42Cys; replaces arginine 42 with cysteine.
Molecular consequence: missense variant.
Genome position (GRCh38, 1-based): chr16:89,179,497, C>T. VCF-style: chr16-89179497-C-T. GRCh37 (hg19) VCF-style: chr16-89245905-C-T.
Other names: short protein forms R42C.
Identifiers: ClinVar variation 4525768 (VCV004525768.1).

ClinVar aggregate classification (germline): Uncertain significance (1 of 4 stars; one submission).

gnomAD v4.1: 29 of 1,613,246 alleles (0.0018%); highest among the groups gnomAD compares: South Asian, 0.0011%; no homozygotes.

Submission:

Women's Health and Genetics/Laboratory Corporation of America, LabCorp
Classification: Uncertain significance. Last evaluated: 2025-07-18. Review status: criteria provided, single submitter. Criteria: LabCorp Variant Classification Summary - May 2015. Collection method: clinical testing. Allele origin: germline.
Comment: Variant summary: CDH15 c.124C>T (p.Arg42Cys) results in a non-conservative amino acid change in the encoded protein sequence. Algorithms developed to predict the effect of missense changes on protein structure and function are either unavailable or do not agree on the potential impact of this missense change. The variant allele was found at a frequency of 1.6e-05 in 250088 control chromosomes. The available data on variant occurrences in the general population are insufficient to allow any conclusion about variant significance. To our knowledge, no occurrence of c.124C>T in individuals affected with Intellectual Disability, Autosomal Dominant 3 and no experimental evidence demonstrating its impact on protein function have been reported. No submitters have cited clinical-significance assessments for this variant to ClinVar. Based on the evidence outlined above, the variant was classified as uncertain significance.